The following is an entry in ClinVar:

ClinVar aggregate classification (germline): Uncertain significance (1 of 4 stars; one submission).

gnomAD v4.1: 2 of 1,614,244 alleles (0.00012%); highest among the groups gnomAD compares: East Asian, 0.0022%; no homozygotes.

Submission:

GeneDx
Classification: Uncertain significance. Last evaluated: 2025-05-16. Review status: criteria provided, single submitter. Criteria: GeneDx Variant Classification Process June 2021. Collection method: clinical testing. Allele origin: germline. Affected: yes.
Comment: Not observed at significant frequency in large population cohorts (gnomAD); In silico analysis supports that this missense variant has a deleterious effect on protein structure/function; Has not been previously published as pathogenic or benign to our knowledge; This variant is associated with the following publications: (PMID: 12070251)

NM_004380.3(CREBBP):c.4805G>A (p.Arg1602His)

Gene: CREBBP (CREB binding lysine acetyltransferase; minus strand). Cytogenetic location: 16p13.3.
Variant type: single nucleotide variant.
Coding change: c.4805G>A on transcript NM_004380.3 (MANE Select); coding-DNA position 4805, G replaced by A.
Protein change: p.Arg1602His; replaces arginine 1602 with histidine.
Molecular consequence: missense variant.
Genome position (GRCh38, 1-based): chr16:3,731,861, C>T on the plus strand (G>A on the coding strand, the complement: CREBBP is on the minus strand). VCF-style: chr16-3731861-C-T. GRCh37 (hg19) VCF-style: chr16-3781862-C-T.
Other names: c.4691G>A, p.Arg1564His (NM_001079846.1); short protein forms R1564H, R1602H.
Identifiers: ClinVar variation 4529685 (VCV004529685.1).